The following is an entry in ClinVar:

ClinVar aggregate classification (germline): Uncertain significance. Review status: criteria provided, multiple submitters, no conflicts (2 of 4 stars). 4 submissions from 4 submitters: Uncertain significance (4). Last evaluated 2024-10-24.

Conditions:
Juvenile cataract-microcornea-renal glucosuria syndrome. Also called: CATARACT, JUVENILE, WITH MICROCORNEA; CATARACT 47; Cataract 47, juvenile, with microcornea. Identifiers: Orphanet 247794, MedGen C4310806, MONDO:0012786, OMIM 612018.

Allele frequency attached by ClinVar (database versions not stated): ExAC 0.00002; gnomAD 0.00003; TOPMed 0.00003; ESP Exome Variant Server 0.00008.

Submissions (4):

Labcorp Genetics (formerly Invitae), Labcorp
Classification: Uncertain significance. Last evaluated: 2024-10-24. Review status: criteria provided, single submitter. Criteria: Invitae Variant Classification Sherloc (09022015). Collection method: clinical testing. Allele origin: germline.
Comment: This sequence change replaces arginine, which is basic and polar, with glutamine, which is neutral and polar, at codon 171 of the SLC16A12 protein (p.Arg171Gln). This variant is present in population databases (rs141521467, gnomAD 0.004%). This variant has not been reported in the literature in individuals affected with SLC16A12-related conditions. ClinVar contains an entry for this variant (Variation ID: 2416274). An algorithm developed to predict the effect of missense changes on protein structure and function (PolyPhen-2) suggests that this variant is likely to be disruptive. In summary, the available evidence is currently insufficient to determine the role of this variant in disease. Therefore, it has been classified as a Variant of Uncertain Significance.

Fulgent Genetics
Classification: Uncertain significance for Juvenile cataract-microcornea-renal glucosuria syndrome. Last evaluated: 2024-04-13. Review status: criteria provided, single submitter. Criteria: ACMG Guidelines, 2015. Collection method: clinical testing. Allele origin: germline.

Ambry Genetics
Classification: Uncertain significance. Last evaluated: 2024-03-16. Review status: criteria provided, single submitter. Criteria: Ambry Variant Classification Scheme 2023. Collection method: clinical testing. Allele origin: germline.

Department of Pathology and Laboratory Medicine, Sinai Health System
Classification: Uncertain significance for Juvenile cataract-microcornea-renal glucosuria syndrome. Last evaluated: 2021-09-09. Review status: criteria provided, single submitter. Criteria: ACMG Guidelines, 2015. Collection method: research. Allele origin: germline.

NM_213606.4(SLC16A12):c.512G>A (p.Arg171Gln)

Gene: SLC16A12 (solute carrier family 16 member 12; minus strand). Cytogenetic location: 10q23.31.
Variant type: single nucleotide variant.
Coding change: c.512G>A on transcript NM_213606.4 (MANE Select); coding-DNA position 512, G replaced by A.
Protein change: p.Arg171Gln; replaces arginine 171 with glutamine.
Molecular consequence: missense variant.
Genome position (GRCh38, 1-based): chr10:89,439,120, C>T on the plus strand (G>A on the coding strand, the complement: SLC16A12 is on the minus strand). VCF-style: chr10-89439120-C-T. GRCh37 (hg19) VCF-style: chr10-91198877-C-T.
Other names: c.512G>A (NM_213606.3); short protein forms R171Q.
Identifiers: ClinVar variation 2416274 (VCV002416274.9), dbSNP rs141521467, ClinGen allele CA5595484.